The following is an entry in ClinVar:

ClinVar aggregate classification (germline): Uncertain significance (1 of 4 stars; one submission).

Conditions:
Rhabdoid tumor predisposition syndrome 2 (RTPS2). Identifiers: Orphanet 231108, Orphanet 69077, MedGen C2750074, MONDO:0013224, OMIM 613325.

Submission:

Labcorp Genetics (formerly Invitae), Labcorp
Classification: Uncertain significance for Rhabdoid tumor predisposition syndrome 2. Last evaluated: 2024-11-24. Review status: criteria provided, single submitter. Criteria: Invitae Variant Classification Sherloc (09022015). Collection method: clinical testing. Allele origin: germline.
Comment: This sequence change replaces isoleucine, which is neutral and non-polar, with asparagine, which is neutral and polar, at codon 366 of the SMARCA4 protein (p.Ile366Asn). This variant is not present in population databases (gnomAD no frequency). This variant has not been reported in the literature in individuals affected with SMARCA4-related conditions. Invitae Evidence Modeling of protein sequence and biophysical properties (such as structural, functional, and spatial information, amino acid conservation, physicochemical variation, residue mobility, and thermodynamic stability) indicates that this missense variant is expected to disrupt SMARCA4 protein function with a positive predictive value of 80%. In summary, the available evidence is currently insufficient to determine the role of this variant in disease. Therefore, it has been classified as a Variant of Uncertain Significance.

NM_003072.5(SMARCA4):c.1097T>A (p.Ile366Asn)

Gene: SMARCA4 (SWI/SNF related BAF chromatin remodeling complex subunit ATPase 4; plus strand). Cytogenetic location: 19p13.2.
Variant type: single nucleotide variant.
Coding change: c.1097T>A on transcript NM_003072.5 (MANE Select); coding-DNA position 1097, T replaced by A.
Protein change: p.Ile366Asn; replaces isoleucine 366 with asparagine.
Molecular consequence: missense variant. On other transcripts: non-coding transcript variant (1).
Genome position (GRCh38, 1-based): chr19:10,987,903, T>A. VCF-style: chr19-10987903-T-A. GRCh37 (hg19) VCF-style: chr19-11098579-T-A.
Other names: c.1097T>A, p.Ile366Asn (NM_001128844.3, NM_001128845.2, NM_001128846.2 and 6 more transcripts); short protein forms I366N.
Identifiers: ClinVar variation 3636843 (VCV003636843.2).